The following is an entry in ClinVar:

NM_006393.3(NEBL):c.455T>C (p.Met152Thr)

Gene: NEBL (nebulette; minus strand). Cytogenetic location: 10p12.31.
Variant type: single nucleotide variant.
Coding change: c.455T>C on transcript NM_006393.3 (MANE Select); coding-DNA position 455, T replaced by C.
Protein change: p.Met152Thr; replaces methionine 152 with threonine.
Molecular consequence: missense variant. On other transcripts: intron variant (9).
Genome position (GRCh38, 1-based): chr10:20,880,819, A>G on the plus strand (T>C on the coding strand, the complement: NEBL is on the minus strand). VCF-style: chr10-20880819-A-G. GRCh37 (hg19) VCF-style: chr10-21169748-A-G.
Other names: c.250-67879T>C (NM_001377326.1, NM_001377327.1, NM_001377328.1); c.358-67879T>C (NM_213569.2, NM_001173484.2, NM_001377322.1); c.301-67879T>C (NM_001377324.1); c.292-67879T>C (NM_001377325.1); c.310-67879T>C (NM_001377323.1); short protein forms M152T.
Identifiers: ClinVar variation 2065814 (VCV002065814.5), dbSNP rs746638649, ClinGen allele CA5433247.

ClinVar aggregate classification (germline): Uncertain significance. Review status: criteria provided, multiple submitters, no conflicts (2 of 4 stars). 2 submissions from 2 submitters: Uncertain significance (2). Last evaluated 2025-09-07.

Conditions:
Primary dilated cardiomyopathy (DCM). Also called: Dilated Cardiomyopathy. Identifiers: Orphanet 217604, MedGen C0007193, MeSH D002311, MONDO:0005021, HP:0001644. Inheritance: Various modes of inheritance.

Allele frequency attached by ClinVar (database versions not stated): gnomAD 0.00002; gnomAD exomes 0.00002; ExAC 0.00006.

Submissions (2):

Labcorp Genetics (formerly Invitae), Labcorp
Classification: Uncertain significance for Primary dilated cardiomyopathy. Last evaluated: 2025-09-07. Review status: criteria provided, single submitter. Criteria: Invitae Variant Classification Sherloc (09022015). Collection method: clinical testing. Allele origin: germline.
Comment: This sequence change replaces methionine, which is neutral and non-polar, with threonine, which is neutral and polar, at codon 152 of the NEBL protein (p.Met152Thr). This variant is present in population databases (rs746638649, gnomAD 0.03%). This variant has not been reported in the literature in individuals affected with NEBL-related conditions. ClinVar contains an entry for this variant (Variation ID: 2065814). An algorithm developed to predict the effect of missense changes on protein structure and function outputs the following: PolyPhen-2: "Benign". The threonine amino acid residue is found in multiple mammalian species, which suggests that this missense change does not adversely affect protein function. In summary, the available evidence is currently insufficient to determine the role of this variant in disease. Therefore, it has been classified as a Variant of Uncertain Significance.

Ambry Genetics
Classification: Uncertain significance. Last evaluated: 2024-08-19. Review status: criteria provided, single submitter. Criteria: Ambry Variant Classification Scheme 2023. Collection method: clinical testing. Allele origin: germline.